The following is an entry in ClinVar:

ClinVar aggregate classification (germline): Uncertain significance (1 of 4 stars; one submission).

Submission:

Labcorp Genetics (formerly Invitae), Labcorp
Classification: Uncertain significance. Last evaluated: 2025-09-13. Review status: criteria provided, single submitter. Criteria: Invitae Variant Classification Sherloc (09022015). Collection method: clinical testing. Allele origin: germline.
Comment: This sequence change replaces serine, which is neutral and polar, with arginine, which is basic and polar, at codon 161 of the COQ8B protein (p.Ser161Arg). This variant is not present in population databases (gnomAD no frequency). This variant has not been reported in the literature in individuals affected with COQ8B-related conditions. Invitae Evidence Modeling of protein sequence and biophysical properties (such as structural, functional, and spatial information, amino acid conservation, physicochemical variation, residue mobility, and thermodynamic stability) indicates that this missense variant is expected to disrupt COQ8B protein function with a positive predictive value of 80%. In summary, the available evidence is currently insufficient to determine the role of this variant in disease. Therefore, it has been classified as a Variant of Uncertain Significance.

NM_024876.4(COQ8B):c.483C>G (p.Ser161Arg)

Gene: COQ8B (coenzyme Q8B; minus strand). Cytogenetic location: 19q13.2.
Variant type: single nucleotide variant.
Coding change: c.483C>G on transcript NM_024876.4 (MANE Select); coding-DNA position 483, C replaced by G.
Protein change: p.Ser161Arg; replaces serine 161 with arginine.
Molecular consequence: missense variant. On other transcripts: intron variant (1).
Genome position (GRCh38, 1-based): chr19:40,705,332, G>C on the plus strand (C>G on the coding strand, the complement: COQ8B is on the minus strand). VCF-style: chr19-40705332-G-C. GRCh37 (hg19) VCF-style: chr19-41211237-G-C.
Other names: c.368-151C>G (NM_001142555.3); short protein forms S161R.
Identifiers: ClinVar variation 4740448 (VCV004740448.1).
Genomic context (GRCh38, chr19:40,705,332, plus strand): 5'-AGGGCTGGGGTAGAAGGGAGGTCAGGGGTCAGGAGTCGAGGGTCATGCTGTACCCTGGAT[G>C]CTGAGCATCTGGCCAACCTTGAGGGCGGCCCCTCGAACTGTACATAAGGTCTGCACAATC-3'
Protein context (NP_079152.3, residues 151-171): GAALKVGQML[Ser161Arg]IQDNSFISPQ